The following is an entry in ClinVar:

ClinVar aggregate classification (germline): Uncertain significance. Review status: criteria provided, multiple submitters, no conflicts (2 of 4 stars). 2 submissions from 2 submitters: Uncertain significance (2). Last evaluated 2024-05-28.

Conditions:
Hereditary cancer-predisposing syndrome. Also called: Tumor predisposition; Hereditary Cancer Syndrome; Hereditary neoplastic syndrome; Neoplastic Syndromes, Hereditary. Identifiers: Orphanet 140162, MedGen C0027672, MeSH D009386, MONDO:0015356.
Breast-ovarian cancer, familial, susceptibility to, 2 (BROVCA2). Also called: BRCA2 Hereditary Breast and Ovarian Cancer. Identifiers: Orphanet 145, MedGen C2675520, MONDO:0012933, OMIM 612555. Disease mechanism: loss of function.

Submissions (2):

Ambry Genetics
Classification: Uncertain significance for Hereditary cancer-predisposing syndrome. Last evaluated: 2024-05-28. Review status: criteria provided, single submitter. Criteria: Ambry Variant Classification Scheme 2023. Collection method: clinical testing. Allele origin: germline.
Comment: The p.K2404E variant (also known as c.7210A>G), located in coding exon 13 of the BRCA2 gene, results from an A to G substitution at nucleotide position 7210. The lysine at codon 2404 is replaced by glutamic acid, an amino acid with similar properties. This amino acid position is conserved. In addition, the in silico prediction for this alteration is inconclusive. Based on the available evidence, the clinical significance of this variant remains unclear.

All of Us Research Program, National Institutes of Health
Classification: Uncertain significance for Breast-ovarian cancer, familial, susceptibility to, 2. Last evaluated: 2023-03-07. Review status: criteria provided, single submitter. Criteria: ACMG Guidelines, 2015. Collection method: clinical testing. Allele origin: germline. Inheritance: Autosomal dominant inheritance. Observed: 1 variant allele, 1 heterozygote.
Comment: This missense variant replaces lysine with glutamic acid at codon 2404 of the BRCA2 protein. Computational prediction is inconclusive regarding the impact of this variant on protein structure and function (internally defined REVEL score threshold 0.5 < inconclusive < 0.7, PMID: 27666373). To our knowledge, functional studies have not been reported for this variant. This variant has not been reported in individuals affected with hereditary cancer in the literature. This variant has not been identified in the general population by the Genome Aggregation Database (gnomAD). The available evidence is insufficient to determine the role of this variant in disease conclusively. Therefore, this variant is classified as a Variant of Uncertain Significance.

This study involves interpretation of variants in research participants for the purpose of population health screening. Participant phenotype was not available at the time of variant classification. Additional details can be found in publication PMID: 35346344, PMCID: PMC8962531

NM_000059.4(BRCA2):c.7210A>G (p.Lys2404Glu)

Gene: BRCA2 (BRCA2 DNA repair associated; plus strand). Cytogenetic location: 13q13.1.
Variant type: single nucleotide variant.
Coding change: c.7210A>G on transcript NM_000059.4 (MANE Select); coding-DNA position 7210, A replaced by G.
Protein change: p.Lys2404Glu; replaces lysine 2404 with glutamic acid.
Molecular consequence: missense variant. On other transcripts: non-coding transcript variant (1).
Genome position (GRCh38, 1-based): chr13:32,355,063, A>G. VCF-style: chr13-32355063-A-G. GRCh37 (hg19) VCF-style: chr13-32929200-A-G.
Other names: c.7114A>G, p.Lys2372Glu (NM_001406719.1); c.7210A>G, p.Lys2404Glu (NM_001406720.1); c.2278A>G, p.Lys760Glu (NM_001406721.1); c.793A>G, p.Lys265Glu (NM_001406722.1); short protein forms K2372E, K2404E, K265E, K760E.
Identifiers: ClinVar variation 3075635 (VCV003075635.2), dbSNP rs886040691, ClinGen allele CA387739983.